The following is an entry in ClinVar:

NM_000520.6(HEXA):c.72G>A (p.Trp24Ter)

Gene: HEXA (hexosaminidase subunit alpha; minus strand). Cytogenetic location: 15q23.
Variant type: single nucleotide variant.
Coding change: c.72G>A on transcript NM_000520.6 (MANE Select); coding-DNA position 72, G replaced by A.
Protein change: p.Trp24Ter; replaces tryptophan 24 with a stop codon.
Molecular consequence: nonsense. On other transcripts: non-coding transcript variant (1).
Genome position (GRCh38, 1-based): chr15:72,375,901, C>T on the plus strand (G>A on the coding strand, the complement: HEXA is on the minus strand). VCF-style: chr15-72375901-C-T. GRCh37 (hg19) VCF-style: chr15-72668242-C-T.
Other names: c.72G>A, p.Trp24Ter (NM_001318825.2); c.72G>A (NM_000520.5); short protein forms W24*.
Identifiers: ClinVar variation 557460 (VCV000557460.3), dbSNP rs1555475519, ClinGen allele CA393070659.
Genomic context (GRCh38, chr15:72,375,901, plus strand): 5'-AAAGTTGTTCGGGTAAAGGACGTAGCGCTGGTCGGAGGTTTGGAAGTTCTGAGGCCAGGG[C>T]CAGAGGGCCGTCGCCCGTCCTGCGAACGCTGCCGCCAGCAGCAGCGAAAACCAAAGCCTG-3'

ClinVar aggregate classification (germline): Pathogenic. Review status: criteria provided, single submitter (1 of 4 stars). 2 submissions from 2 submitters: Pathogenic (1). 1 of the submissions does not count toward it. Last evaluated 2023-04-27.

Conditions:
Tay-Sachs disease (TSD). Also called: HEXA Disorders; HEXA DEFICIENCY; Hexosaminidase A Deficiency; GM2 gangliosidosis, type 1; Hexosaminidase alpha-subunit deficiency (variant B); Sphingolipidosis, Tay-Sachs. Identifiers: Orphanet 845, MedGen C0039373, MONDO:0010100, OMIM 272800.

Allele frequency attached by ClinVar (database versions not stated): gnomAD 0.00001.
gnomAD v4.1: 1 of 1,614,096 alleles (0.000062%); highest among the groups gnomAD compares: African/African-American, 0.0013%; no homozygotes.

Submissions (2):

Women's Health and Genetics/Laboratory Corporation of America, LabCorp
Classification: Pathogenic for Tay-Sachs disease. Last evaluated: 2023-04-27. Review status: criteria provided, single submitter. Criteria: LabCorp Variant Classification Summary - May 2015. Collection method: clinical testing. Allele origin: germline.
Comment: Variant summary: HEXA c.72G>A (p.Trp24X) results in a premature termination codon, predicted to cause a truncation of the encoded protein or absence of the protein due to nonsense mediated decay, which are commonly known mechanisms for disease. The variant was absent in 251238 control chromosomes (gnomAD). To our knowledge, no occurrence of c.72G>A in individuals affected with Tay-Sachs Disease and no experimental evidence demonstrating its impact on protein function have been reported. One clinical diagnostic laboratory has submitted clinical-significance assessments for this variant to ClinVar after 2014 and classified the variant as likely pathogenic. Based on the evidence outlined above, the variant was classified as pathogenic.

Counsyl
Classification: Likely pathogenic for Tay-Sachs disease. Last evaluated: 2018-03-26. Review status: no assertion criteria provided. Collection method: clinical testing. Allele origin: unknown. Not counted in ClinVar's aggregate classification.